The following is an entry in ClinVar:

NM_001111.5(ADAR):c.577C>G (p.Pro193Ala)

Gene: ADAR (adenosine deaminase RNA specific; minus strand). Cytogenetic location: 1q21.3.
Variant type: single nucleotide variant.
Coding change: c.577C>G on transcript NM_001111.5 (MANE Select); coding-DNA position 577, C replaced by G.
Protein change: p.Pro193Ala; replaces proline 193 with alanine.
Molecular consequence: missense variant. On other transcripts: 5 prime UTR variant (6).
Genome position (GRCh38, 1-based): chr1:154,602,065, G>C on the plus strand (C>G on the coding strand, the complement: ADAR is on the minus strand). VCF-style: chr1-154602065-G-C. GRCh37 (hg19) VCF-style: chr1-154574541-G-C.
Other names: NP_001102.3:p.(Pro193Ala); c.-309C>G (NM_001025107.3, NM_001193495.2, NM_001365046.1 and 3 more transcripts); c.604C>G, p.Pro202Ala (NM_001365045.1); c.577C>G, p.Pro193Ala (NM_015840.4, NM_015841.4); short protein forms P193A, P202A.
Identifiers: ClinVar variation 126395 (VCV000126395.113), dbSNP rs145588689, ClinGen allele CA345491.

ClinVar aggregate classification (germline): Conflicting classifications of pathogenicity. Review status: criteria provided, conflicting classifications (1 of 4 stars). 36 submissions from 34 submitters: Pathogenic (21); Likely pathogenic (7); Uncertain significance (1). 7 of the submissions do not count toward it. Last evaluated 2026-09-11.

Conditions:
Inborn genetic diseases. Identifiers: MedGen C0950123, MeSH D030342.
ADAR-related type 1 interferonopathy. Identifiers: MedGen CN377547, MONDO:0700261.
ADAR-related disorder. Also called: ADAR-related condition; ADAR-related disorders.
Symmetrical dyschromatosis of extremities (DSH). Also called: RETICULATE ACROPIGMENTATION OF DOHI; SYMMETRIC DYSCHROMATOSIS OF THE EXTREMITIES; Dyschromatosis symmetrica hereditaria; DYSCHROMATOSIS SYMMETRICA HEREDITARIA 1. Identifiers: Orphanet 41, MedGen C0406775, MONDO:0007483, OMIM 127400.
Aicardi-Goutieres syndrome 6 (AGS6). Identifiers: Orphanet 51, MedGen C3539013, MONDO:0014007, OMIM 615010.
West syndrome. Also called: Infantile epileptic spasms syndrome. Identifiers: Orphanet 3451, Orphanet 697160, MedGen C0037769, MONDO:0018097. Disease mechanism: loss of function.
Aicardi Goutieres syndrome (AGS). Also called: Encephalopathy, familial infantile, with calcification of basal ganglia and chronic cerebrospinal fluid lymphocytosis. Identifiers: Orphanet 51, MedGen C0393591, MONDO:0018866.

Allele frequency attached by ClinVar (database versions not stated): gnomAD 0.00162; ESP Exome Variant Server 0.00315; 1000 Genomes Project 0.00140; TOPMed 0.00244; 1000 Genomes Project 30x 0.00141.
gnomAD v4.1: 5,099 of 1,614,176 alleles (0.32%); highest among the groups gnomAD compares: Non-Finnish European, 0.39%; 6 homozygotes.

Submissions 1 to 5 of 36:

PreventionGenetics, part of Exact Sciences
Classification: Pathogenic for ADAR-related condition. Last evaluated: 2026-09-11. Review status: criteria provided, single submitter. Criteria: ACMG Guidelines, 2015. Collection method: clinical testing. Allele origin: germline.
Comment: The ADAR c.577C>G variant is predicted to result in the amino acid substitution p.Pro193Ala. This variant is located in the Zα (Z-DNA/Z-RNA–binding) domain, unique to the interferon-inducible p150 ADAR isoform. This variant has been reported in the compound heterozygous state in multiple individuals with Aicardi-Goutières syndrome (AGS) or bilateral striatal necrosis (BSN) and was shown to segregate in several families (Rice et al. 2012. PubMed ID: 23001123; Livingston et al. 2013. PubMed ID: 24262145; Piekutowska-Abramczuk et al. 2016. PubMed ID: 28139822; Schmelzer et al. 2017. PubMed ID: 29221912; Sathishkumar et al. 2021. PubMed ID: 33289110). Functional studies demonstrate this variant impacts RNA-editing and interferon-stimulated gene (ISG) expression in the brain (Mannion et al. 2014. PubMed ID: 25456137; Guo et al. 2023. PubMed ID: 37421629). A mouse model demonstrated that, in the homozygous state, this variant does not result in an abnormal phenotype; however, when present in the compound heterozygous state with a loss of function variant or a null p150ADAR allele, patterns of ISG expression in the mouse brain resembled phenotypes observed in humans diagnosed with AGS (Maurano et al. 2021. PubMed ID: 34343497; Guo et al. 2023. PubMed ID: 37421629). This variant is reported in 606 alleles out of 282848 total alleles in gnomAD, including one homozygote and has been consistently been reported in ClinVar as likely pathogenic/pathogenic (Variation ID: 126395). Given the homozygous mouse model, PreventionGenetic's internal data, and population frequency data, this variant is NOT expected to cause disease in the homozygous state and only causes recessive disease when in trans to a severe loss-of-function variant (Maurano et al. 2021. PubMed ID: 34343497; Guo et al. 2023. PubMed ID: 37421629). This variant is interpreted as pathogenic for autosomal recessive ADAR-related disease and is uncertain for autosomal dominant dyschromatosis symmetrica hereditaria.

CeGaT Center for Human Genetics Tuebingen
Classification: Pathogenic. Last evaluated: 2026-07-01. Review status: criteria provided, single submitter. Criteria: CeGaT Center For Human Genetics Tuebingen Variant Classification Criteria Version 2. Collection method: clinical testing. Allele origin: germline. Affected: yes. Observed: 9 variant alleles.
Comment: ADAR: PM3:Very Strong, PM2:Supporting, PS3:Supporting

Dasa
Classification: Pathogenic. Last evaluated: 2026-03-12. Review status: criteria provided, single submitter. Criteria: DASA Assertion Criteria. Collection method: clinical testing. Allele origin: germline.
Comment: NM_001111.5(ADAR):c.577C>G (p.Pro193Ala) is a missense variant that results in the substitution of proline with alanine. Functional evidence supports a deleterious effect on the gene or gene product (PMID: 23001123; PMID: 26629815; PMID: 33307271; PMID: 33289110; PMID: 9889202). This variant has been recurrently observed in individuals with related phenotype (PMID: 23001123; PMID: 26629815; PMID: 33307271; PMID: 33289110; PMID: 9889202). Multiple computational predictions support a deleterious effect on the gene or gene product. The variant is present at low frequency in population datasets. Based on the available data, this variant is classified as pathogenic.

Labcorp Genetics (formerly Invitae), Labcorp
Classification: Uncertain significance for Aicardi-Goutieres syndrome 6; Symmetrical dyschromatosis of extremities. Last evaluated: 2026-02-02. Review status: criteria provided, single submitter. Criteria: Invitae Variant Classification Sherloc (09022015). Collection method: clinical testing. Allele origin: germline.
Comment: This sequence change replaces proline, which is neutral and non-polar, with alanine, which is neutral and non-polar, at codon 193 of the ADAR protein (p.Pro193Ala). This variant is present in population databases (rs145588689, gnomAD 0.3%), including at least one homozygous and/or hemizygous individual. This missense change has been observed in individual(s) with autosomal recessive ADAR-related diseases (PMID: 23001123, 26629815). ClinVar contains an entry for this variant (Variation ID: 126395). An algorithm developed to predict the effect of missense changes on protein structure and function (PolyPhen-2) suggests that this variant is likely to be disruptive. Experimental studies have shown that this missense change affects ADAR function (PMID: 9889202, 25456137, 34343497). In summary, the available evidence is currently insufficient to determine the role of this variant in disease. Therefore, it has been classified as a Variant of Uncertain Significance.

Women's Health and Genetics/Laboratory Corporation of America, LabCorp
Classification: Pathogenic for Aicardi-Goutieres syndrome 6. Last evaluated: 2026-01-30. Review status: criteria provided, single submitter. Criteria: LabCorp Variant Classification Summary - May 2015. Collection method: clinical testing. Allele origin: germline.
Comment: Variant summary: ADAR c.577C>G (p.Pro193Ala) results in a non-conservative amino acid change located in the Z-DNA/Z-RNA-binding domain (IPR042371) of the encoded protein sequence. Algorithms developed to predict the effect of missense changes on protein structure and function all suggest that this variant is likely to be disruptive. The variant allele was found at a frequency of 0.0032 in 1607202 control chromosomes, in the gnomAD database, including 6 homozygotes, and was predominantly reported in the Non-Finnish European subpopulation at a frequency of 0.0039. The observed relatively high frequency in non-Finnish Europeans, together with the homozygous occurrences, might indicate a benign nature for the variant. However, the variant c.577C>G has also been reported in the literature in numerous compound heterozygous individuals, who were affected with phenotypes that belong to the Aicardi-Goutieres Syndrome 6 (AGS6) spectrum, including atypical (late-infantile and juvenile-onset) AGS, non-syndromic bilateral striatal necrosis (BSN), and calcifying cardiac valve disease (e.g. Rice_2012, Livingston_2014, Piekutowska-Abramczuk_2016, Kono_2018, Sathishkumar_2021, Crow_2020, Piccoli_2021). Of note, in several of these reported patients the signs of dyschromatosis symmetrica hereditaria (DSH) were also described (e.g. in Livingston_2014, Piekutowska-Abramczuk_2016, Kono_2018, Sathishkumar_2021, Crow_2020). In many patients, upregulation of IFN-stimulated genes (ISGs) was demonstrated, which is consistent with the anticipated disease mechanism (e.g. Rice_2012, Livingston_2014). A recent study noted that over 60% of AGS patients with ADAR mutations carry the P193A allele in compound heterozygous state with either a loss of function (LoF) mutation or a missense in the deaminase domain of ADAR1, however no homozygous patients have been reported (Maurano_2021). These data indicate that the variant is very likely to be associated with disease. Multiple studies generated knock-in mouse models for the variant, and in general found that P195A/P195A homozygous mice (P195A is homologous to human P193A) were indistinguishable from wild type controls, but compound heterozygous mice carrying the variant together with a more severe (e.g. null) ADAR allele recapitulated the human AGS phenotypes with a marked upregulation of ISGs; notably, homozygous null alleles of Adar in mice were reported to result in embryonic lethality (e.g. Maurano_2021, Hubbard_2022, Guo_2023, Liang_2023, Xu_2025, Luca_2025). Publications also reported experimental evidence evaluating an impact on protein function and demonstrated a partially decreased or intact overall RNA-editing activities (e.g. Mannion_2014, Guo_2023), but with the strong activation of downstream signaling pathways (Maurano_2021, Hubbard_2022, Guo_2023, Liang_2023). The following publications have been ascertained in the context of this evaluation (PMID: 31772029, 35859177, 29603717, 24262145, 25456137, 34343497, 33307271, 28139822, 23001123, 33289110, 33723056, 41022715, 39680957, 37421629, 35859177, 36975179). In conclusion, these data suggest that the pathogenicity of this variant is genotype-dependent, i.e. highly dependent on the variant observed in trans. Based on the evidence outlined above, the variant was classified as pathogenic.